The following is an entry in ClinVar:

ClinVar aggregate classification (germline): Pathogenic (1 of 4 stars; one submission).

Conditions:
Bardet-Biedl syndrome (BBS). Identifiers: Orphanet 110, MedGen C0752166, MONDO:0015229.

Submission:

Labcorp Genetics (formerly Invitae), Labcorp
Classification: Pathogenic for Bardet-Biedl syndrome. Last evaluated: 2023-05-12. Review status: criteria provided, single submitter. Criteria: Invitae Variant Classification Sherloc (09022015). Collection method: clinical testing. Allele origin: unknown.
Comment: For these reasons, this variant has been classified as Pathogenic. This variant has not been reported in the literature in individuals affected with BBS9-related conditions. This variant is a gross deletion of the genomic region encompassing exon(s) 10-13 of the BBS9 gene. This deletion is out-of-frame, and is expected to create a premature termination codon and result in an absent or disrupted protein product. Loss-of-function variants in BBS9 are known to be pathogenic (PMID: 16380913, 20177705).

Literature cited by the submitters: PubMed 16380913; PubMed 20177705.

NC_000007.13:g.(?_33376033)_(33388802_?)del

Gene: BBS9 (Bardet-Biedl syndrome 9; plus strand). Cytogenetic location: 7p14.3.
Variant type: Deletion.
Identifiers: ClinVar variation 3245735 (VCV003245735.1).